The following is an entry in ClinVar:

ClinVar aggregate classification (germline): Uncertain significance (1 of 4 stars; one submission).

Allele frequency attached by ClinVar (database versions not stated): TOPMed below 0.00001; ExAC 0.00001; gnomAD 0.00001.
gnomAD v4.1: 2 of 1,600,206 alleles (0.00012%); highest among the groups gnomAD compares: East Asian, 0.0045%; no homozygotes.

Submission:

Labcorp Genetics (formerly Invitae), Labcorp
Classification: Uncertain significance. Last evaluated: 2023-12-08. Review status: criteria provided, single submitter. Criteria: Invitae Variant Classification Sherloc (09022015). Collection method: clinical testing. Allele origin: germline.
Comment: This sequence change replaces isoleucine, which is neutral and non-polar, with valine, which is neutral and non-polar, at codon 140 of the LMBRD2 protein (p.Ile140Val). This variant is present in population databases (rs779992299, gnomAD 0.02%). This variant has not been reported in the literature in individuals affected with LMBRD2-related conditions. An algorithm developed to predict the effect of missense changes on protein structure and function (PolyPhen-2) suggests that this variant is likely to be tolerated. In summary, the available evidence is currently insufficient to determine the role of this variant in disease. Therefore, it has been classified as a Variant of Uncertain Significance.

NM_001007527.2(LMBRD2):c.418A>G (p.Ile140Val)

Gene: LMBRD2 (LMBR1 domain containing 2; minus strand). Cytogenetic location: 5p13.2.
Variant type: single nucleotide variant.
Coding change: c.418A>G on transcript NM_001007527.2 (MANE Select); coding-DNA position 418, A replaced by G.
Protein change: p.Ile140Val; replaces isoleucine 140 with valine.
Molecular consequence: missense variant.
Genome position (GRCh38, 1-based): chr5:36,137,392, T>C on the plus strand (A>G on the coding strand, the complement: LMBRD2 is on the minus strand). VCF-style: chr5-36137392-T-C. GRCh37 (hg19) VCF-style: chr5-36137494-T-C.
Other names: short protein forms I140V.
Identifiers: ClinVar variation 2701447 (VCV002701447.3), dbSNP rs779992299, ClinGen allele CA3233863.